The following is an entry in ClinVar:

NM_006648.4(WNK2):c.2924C>A (p.Pro975His)

Gene: WNK2 (WNK lysine deficient protein kinase 2; plus strand). Cytogenetic location: 9q22.31.
Variant type: single nucleotide variant.
Coding change: c.2924C>A on transcript NM_006648.4 (MANE Select); coding-DNA position 2924, C replaced by A.
Protein change: p.Pro975His; replaces proline 975 with histidine.
Molecular consequence: missense variant.
Genome position (GRCh38, 1-based): chr9:93,259,472, C>A. VCF-style: chr9-93259472-C-A. GRCh37 (hg19) VCF-style: chr9-96021754-C-A.
Other names: c.2924C>A, p.Pro975His (NM_001282394.3); short protein forms P975H.
Identifiers: ClinVar variation 4844860 (VCV004844860.1).
Genomic context (GRCh38, chr9:93,259,472, plus strand): 5'-TGCTGCCCCCGCAACCCACGCTGCCCCCTCAACCTGTGTTGCCCCCGCAACCCACACGGC[C>A]CCCTCAACCTGTGCTGCCCCCGCAACCCATGCTGCCCCCACAACCTGTGCTGCCCCCGCA-3'
Protein context (NP_006639.3, residues 965-985): QPVLPPQPTR[Pro975His]PQPVLPPQPM

ClinVar aggregate classification (germline): Uncertain significance (1 of 4 stars; one submission).

gnomAD v4.1: 1 of 1,494,708 alleles (0.000067%); highest among the groups gnomAD compares: Admixed American, 0.002%; no homozygotes.

Submission:

Ambry Genetics
Classification: Uncertain significance. Last evaluated: 2026-01-18. Review status: criteria provided, single submitter. Criteria: Ambry Variant Classification Scheme 2023. Collection method: clinical testing. Allele origin: germline.
Comment: The p.P975H variant (also known as c.2924C>A), located in coding exon 11 of the WNK2 gene, results from a C to A substitution at nucleotide position 2924. The proline at codon 975 is replaced by histidine, an amino acid with similar properties. This amino acid position is conserved. In addition, this alteration is predicted to be tolerated by in silico analysis. Based on the available evidence, the clinical significance of this variant remains unclear.